The following is an entry in ClinVar:

ClinVar aggregate classification (germline): Uncertain significance (1 of 4 stars; one submission).

Conditions:
TNF receptor-associated periodic fever syndrome (TRAPS) (FPF). Also called: FAMILIAL HIBERNIAN FEVER; TNF RECEPTOR-ASSOCIATED PERIODIC SYNDROME; TUMOR NECROSIS FACTOR RECEPTOR-ASSOCIATED PERIODIC SYNDROME; TNF receptor 1-associated periodic fever syndrome; TNF Receptor-Associated Periodic Fever Syndrome; Autosomal Dominant Familial Periodic Fever. Identifiers: Orphanet 32960, MedGen C1275126, MONDO:0007727, OMIM 142680.

Submission:

Labcorp Genetics (formerly Invitae), Labcorp
Classification: Uncertain significance for TNF receptor-associated periodic fever syndrome (TRAPS). Last evaluated: 2021-02-10. Review status: criteria provided, single submitter. Criteria: Invitae Variant Classification Sherloc (09022015). Collection method: clinical testing. Allele origin: germline.
Comment: This variant is not present in population databases (ExAC no frequency). This sequence change falls in intron 7 of the TNFRSF1A gene. It does not directly change the encoded amino acid sequence of the TNFRSF1A protein, but it affects a nucleotide within the consensus splice site of the intron. This variant has not been reported in the literature in individuals with TNFRSF1A-related conditions. In summary, the available evidence is currently insufficient to determine the role of this variant in disease. Therefore, it has been classified as a Variant of Uncertain Significance. Nucleotide substitutions within the consensus splice site are a relatively common cause of aberrant splicing (PMID: 17576681, 9536098). Algorithms developed to predict the effect of sequence changes on RNA splicing suggest that this variant may disrupt the consensus splice site, but this prediction has not been confirmed by published transcriptional studies.

Literature cited by the submitters: PubMed 17576681; PubMed 9536098.

NM_001065.4(TNFRSF1A):c.739+6_739+9del

Gene: TNFRSF1A (TNF receptor superfamily member 1A; minus strand). Cytogenetic location: 12p13.31.
Variant type: Deletion.
Coding change: c.739+6_739+9del on transcript NM_001065.4 (MANE Select); bases 6 to 9 of the intron after coding-DNA position 739, 4 bases deleted (TGGG; older notation c.739+6_739+9delTGGG).
Molecular consequence: intron variant.
Genome position (GRCh38, 1-based): chr12:6,330,589-6,330,592, CCCA deleted on the plus strand (TGGG on the coding strand, the reverse complement: TNFRSF1A is on the minus strand); deleting any 4 consecutive bases within chr12:6,330,589-6,330,593 gives the same sequence; the c. name uses the placement nearest the transcript's 3' end. VCF-style (leftmost placement, unchanged base first): chr12-6330588-CCCCA-C. GRCh37 (hg19) VCF-style: chr12-6439754-CCCCA-C.
Other names: c.415+6_415+9del (NM_001346091.2); c.280+6_280+9del (NM_001346092.2).
Identifiers: ClinVar variation 1005291 (VCV001005291.6), dbSNP rs866809929, ClinGen allele CA232327273.